The following is an entry in ClinVar:

ClinVar aggregate classification (germline): Uncertain significance (1 of 4 stars; one submission).

Conditions:
Holoprosencephaly 3 (HPE3). Identifiers: Orphanet 2162, MedGen C1840529, MONDO:0007733, OMIM 142945.

Submission:

Labcorp Genetics (formerly Invitae), Labcorp
Classification: Uncertain significance for Holoprosencephaly 3. Last evaluated: 2025-03-23. Review status: criteria provided, single submitter. Criteria: Invitae Variant Classification Sherloc (09022015). Collection method: clinical testing. Allele origin: germline.
Comment: This sequence change replaces alanine, which is neutral and non-polar, with threonine, which is neutral and polar, at codon 303 of the SHH protein (p.Ala303Thr). This variant is not present in population databases (gnomAD no frequency). This variant has not been reported in the literature in individuals affected with SHH-related conditions. Invitae Evidence Modeling of protein sequence and biophysical properties (such as structural, functional, and spatial information, amino acid conservation, physicochemical variation, residue mobility, and thermodynamic stability) indicates that this missense variant is not expected to disrupt SHH protein function with a negative predictive value of 80%. In summary, the available evidence is currently insufficient to determine the role of this variant in disease. Therefore, it has been classified as a Variant of Uncertain Significance.

NM_000193.4(SHH):c.907G>A (p.Ala303Thr)

Gene: SHH (sonic hedgehog signaling molecule; minus strand). Cytogenetic location: 7q36.3.
Variant type: single nucleotide variant.
Coding change: c.907G>A on transcript NM_000193.4 (MANE Select); coding-DNA position 907, G replaced by A.
Protein change: p.Ala303Thr; replaces alanine 303 with threonine.
Molecular consequence: missense variant. On other transcripts: intron variant (1).
Genome position (GRCh38, 1-based): chr7:155,803,382, C>T on the plus strand (G>A on the coding strand, the complement: SHH is on the minus strand). VCF-style: chr7-155803382-C-T. GRCh37 (hg19) VCF-style: chr7-155596076-C-T.
Other names: c.301+2914G>A (NM_001310462.2); short protein forms A303T.
Identifiers: ClinVar variation 4808039 (VCV004808039.1).